The following is an entry in ClinVar:

NM_012431.3(SEMA3E):c.1232T>C (p.Met411Thr)

Gene: SEMA3E (semaphorin 3E; minus strand). Cytogenetic location: 7q21.11.
Variant type: single nucleotide variant.
Coding change: c.1232T>C on transcript NM_012431.3 (MANE Select); coding-DNA position 1232, T replaced by C.
Protein change: p.Met411Thr; replaces methionine 411 with threonine.
Molecular consequence: missense variant.
Genome position (GRCh38, 1-based): chr7:83,400,162, A>G on the plus strand (T>C on the coding strand, the complement: SEMA3E is on the minus strand). VCF-style: chr7-83400162-A-G. GRCh37 (hg19) VCF-style: chr7-83029478-A-G.
Other names: c.1052T>C, p.Met351Thr (NM_001178129.2); short protein forms M411T, M351T.
Identifiers: ClinVar variation 4991846 (VCV004991846.1).

ClinVar aggregate classification (germline): Uncertain significance (1 of 4 stars; one submission).

Conditions:
SEMA3E-related disorder. Also called: SEMA3E-related condition.

gnomAD v4.1: 8 of 1,613,978 alleles (0.0005%); highest among the groups gnomAD compares: East Asian, 0.018%; no homozygotes.

Submission:

PreventionGenetics, part of Exact Sciences
Classification: Uncertain significance for SEMA3E-related condition. Last evaluated: 2026-08-04. Review status: criteria provided, single submitter. Criteria: ACMG Guidelines, 2015. Collection method: clinical testing. Allele origin: germline.
Comment: The SEMA3E c.1232T>C variant is predicted to result in the amino acid substitution p.Met411Thr. To our knowledge, this variant has not been reported in the literature or in a large population database (gnomAD), indicating this variant is rare. At this time, the clinical significance of this variant is uncertain due to the absence of conclusive functional and genetic evidence.